The following is an entry in ClinVar:

ClinVar aggregate classification (germline): Uncertain significance (1 of 4 stars; one submission).

Allele frequency attached by ClinVar (database versions not stated): gnomAD exomes below 0.00001; TOPMed 0.00002.
gnomAD v4.1: 1 of 1,613,850 alleles (0.000062%); highest among the groups gnomAD compares: Non-Finnish European, 0.000085%; no homozygotes.

Submission:

GeneDx
Classification: Uncertain significance. Last evaluated: 2022-06-15. Review status: criteria provided, single submitter. Criteria: GeneDx Variant Classification Process June 2021. Collection method: clinical testing. Allele origin: germline. Affected: yes.
Comment: Not observed at significant frequency in large population cohorts (gnomAD); In silico analysis supports that this missense variant does not alter protein structure/function; Has not been previously published as pathogenic or benign to our knowledge

NM_183357.3(ADCY5):c.2639A>G (p.His880Arg)

Gene: ADCY5 (adenylate cyclase 5; minus strand). Cytogenetic location: 3q21.1.
Variant type: single nucleotide variant.
Coding change: c.2639A>G on transcript NM_183357.3 (MANE Select); coding-DNA position 2639, A replaced by G.
Protein change: p.His880Arg; replaces histidine 880 with arginine.
Molecular consequence: missense variant.
Genome position (GRCh38, 1-based): chr3:123,303,140, T>C on the plus strand (A>G on the coding strand, the complement: ADCY5 is on the minus strand). VCF-style: chr3-123303140-T-C. GRCh37 (hg19) VCF-style: chr3-123021987-T-C.
Other names: c.1589A>G, p.His530Arg (NM_001199642.1); c.2639A>G, p.His880Arg (NM_001378259.1); short protein forms H530R, H880R.
Identifiers: ClinVar variation 1804288 (VCV001804288.1), dbSNP rs888387099, ClinGen allele CA82912776.
Genomic context (GRCh38, chr3:123,303,140, plus strand): 5'-GGGCTGCCACAGAAGCCCTGCTCATCGCCCAGGCTGTAGTTGACGGCCGACTCCGCCACG[T>C]GACACGCGTTGACCTGGCTCGCGCTGATGTTGTGCTCCTGTGCCAAGCAGCCCAGCAGGT-3'
Protein context (NP_899200.1, residues 870-890): NISASQVNAC[His880Arg]VAESAVNYSL